The following is an entry in ClinVar:

NM_032444.4(SLX4):c.5354T>C (p.Leu1785Pro)

Gene: SLX4 (SLX4 structure-specific endonuclease subunit; minus strand). Cytogenetic location: 16p13.3.
Variant type: single nucleotide variant.
Coding change: c.5354T>C on transcript NM_032444.4 (MANE Select); coding-DNA position 5354, T replaced by C.
Protein change: p.Leu1785Pro; replaces leucine 1785 with proline.
Molecular consequence: missense variant.
Genome position (GRCh38, 1-based): chr16:3,582,493, A>G on the plus strand (T>C on the coding strand, the complement: SLX4 is on the minus strand). VCF-style: chr16-3582493-A-G. GRCh37 (hg19) VCF-style: chr16-3632494-A-G.
Other names: c.5354T>C (LRG_503t1); short protein forms L1785P.
Identifiers: ClinVar variation 407920 (VCV000407920.11), dbSNP rs562491450, ClinGen allele CA16614910.

ClinVar aggregate classification (germline): Uncertain significance (1 of 4 stars; one submission).

Conditions:
Fanconi anemia (FA). Also called: Fanconi's anemia. Identifiers: Orphanet 84, MedGen C0015625, MeSH D005199, MONDO:0019391.

Allele frequency attached by ClinVar (database versions not stated): gnomAD exomes below 0.00001; gnomAD 0.00001 and 0.00002; 1000 Genomes Project 30x 0.00016; 1000 Genomes Project 0.00020.
gnomAD v4.1: 3 of 1,614,066 alleles (0.00019%); highest among the groups gnomAD compares: East Asian, 0.0045%; no homozygotes.

Submission:

Labcorp Genetics (formerly Invitae), Labcorp
Classification: Uncertain significance for Fanconi anemia. Last evaluated: 2019-10-14. Review status: criteria provided, single submitter. Criteria: Invitae Variant Classification Sherloc (09022015). Collection method: clinical testing. Allele origin: germline.
Comment: This sequence change replaces leucine with proline at codon 1785 of the SLX4 protein (p.Leu1785Pro). The leucine residue is highly conserved and there is a moderate physicochemical difference between leucine and proline. This variant is not present in population databases (ExAC no frequency) and has not been reported in the literature in individuals with a SLX4-related disease. Algorithms developed to predict the effect of missense changes on protein structure and function (SIFT, PolyPhen-2, Align-GVGD) all suggest that this variant is likely to be disruptive, but these predictions have not been confirmed by published functional studies. In summary, this variant is a novel missense change with uncertain impact on protein function. It has been classified as a Variant of Uncertain Significance.